The following is an entry in ClinVar:

NM_000204.5(CFI):c.419T>C (p.Ile140Thr)

Gene: CFI (complement factor I; minus strand). Cytogenetic location: 4q25.
Variant type: single nucleotide variant.
Coding change: c.419T>C on transcript NM_000204.5 (MANE Select); coding-DNA position 419, T replaced by C.
Protein change: p.Ile140Thr; replaces isoleucine 140 with threonine.
Molecular consequence: missense variant. On other transcripts: non-coding transcript variant (3), intron variant (1).
Genome position (GRCh38, 1-based): chr4:109,764,600, A>G on the plus strand (T>C on the coding strand, the complement: CFI is on the minus strand). VCF-style: chr4-109764600-A-G. GRCh37 (hg19) VCF-style: chr4-110685756-A-G.
Other names: c.419T>C, p.Ile140Thr (NM_001318057.2, NM_001331035.2, NM_001375278.1 and 5 more transcripts); c.-127-2908T>C (NM_001375284.1); short protein forms I140T.
Identifiers: ClinVar variation 2885271 (VCV002885271.5), dbSNP rs765780615, ClinGen allele CA3042278.

ClinVar aggregate classification (germline): Uncertain significance. Review status: criteria provided, multiple submitters, no conflicts (2 of 4 stars). 3 submissions from 3 submitters: Uncertain significance (3). Last evaluated 2025-09-26.

Conditions:
Atypical hemolytic-uremic syndrome with I factor anomaly. Also called: HEMOLYTIC UREMIC SYNDROME, ATYPICAL, SUSCEPTIBILITY TO, 3; AHUS, SUSCEPTIBILITY TO, 3. Identifiers: Orphanet 2134, MedGen C2752039, MONDO:0013041, OMIM 612923.
Age related macular degeneration 13. Identifiers: MedGen C3809523, MONDO:0014189, OMIM 615439.
Factor I deficiency (CFID). Also called: Complement factor I deficiency. Identifiers: Orphanet 200418, MedGen C3463916, MONDO:0012594, OMIM 610984.
Atypical hemolytic-uremic syndrome. Identifiers: Orphanet 2134, MedGen C2931788, MONDO:0016244.

Allele frequency attached by ClinVar (database versions not stated): gnomAD exomes below 0.00001; ExAC 0.00001; TOPMed 0.00001.
gnomAD v4.1: 2 of 1,614,190 alleles (0.00012%); highest among the groups gnomAD compares: Admixed American, 0.0017%; no homozygotes.

Submissions (3):

Genomenon, Inc
Classification: Uncertain significance for Atypical hemolytic-uremic syndrome. Last evaluated: 2025-09-26. Review status: criteria provided, single submitter. Criteria: Genomenon Sequence Variant Interpretation Standards - Updated. Collection method: curation. Allele origin: germline. Affected: yes.
Comment: CFI p.Ile140Thr (c.419T>C) is a missense variant that changes the amino acid at residue 140 from Isoleucine to Threonine. This variant has been observed in at least one proband affected with atypical hemolytic-uremic syndrome (PMID:24656451). It is absent or not present at a significant frequency in gnomAD. In silico models agree that this variant is not damaging. In conclusion, we classify CFI p.Ile140Thr (c.419T>C) as a variant of unknown significance.

Fulgent Genetics
Classification: Uncertain significance for Factor I deficiency; Atypical hemolytic-uremic syndrome with I factor anomaly; Age related macular degeneration 13. Last evaluated: 2024-05-22. Review status: criteria provided, single submitter. Criteria: ACMG Guidelines, 2015. Collection method: clinical testing. Allele origin: germline.

Labcorp Genetics (formerly Invitae), Labcorp
Classification: Uncertain significance. Last evaluated: 2023-12-20. Review status: criteria provided, single submitter. Criteria: Invitae Variant Classification Sherloc (09022015). Collection method: clinical testing. Allele origin: germline.
Comment: This sequence change replaces isoleucine, which is neutral and non-polar, with threonine, which is neutral and polar, at codon 140 of the CFI protein (p.Ile140Thr). This variant is present in population databases (rs765780615, gnomAD 0.003%). This variant has not been reported in the literature in individuals affected with CFI-related conditions. Advanced modeling of protein sequence and biophysical properties (such as structural, functional, and spatial information, amino acid conservation, physicochemical variation, residue mobility, and thermodynamic stability) performed at Invitae indicates that this missense variant is not expected to disrupt CFI protein function with a negative predictive value of 95%. In summary, the available evidence is currently insufficient to determine the role of this variant in disease. Therefore, it has been classified as a Variant of Uncertain Significance.

Literature cited by the submitters: PubMed 24656451 (cited by Genomenon, Inc).